The following is an entry in ClinVar:

NM_000179.3(MSH6):c.23A>G (p.Tyr8Cys)

Gene: MSH6 (mutS homolog 6; plus strand). Cytogenetic location: 2p16.3.
Variant type: single nucleotide variant.
Coding change: c.23A>G on transcript NM_000179.3 (MANE Select); coding-DNA position 23, A replaced by G.
Protein change: p.Tyr8Cys; replaces tyrosine 8 with cysteine.
Molecular consequence: missense variant. On other transcripts: 5 prime UTR variant (1).
Genome position (GRCh38, 1-based): chr2:47,783,256, A>G. VCF-style: chr2-47783256-A-G. GRCh37 (hg19) VCF-style: chr2-48010395-A-G.
Other names: c.23A>G, p.Tyr8Cys (NM_001281492.2); c.-714A>G (NM_001281493.2); short protein forms Y8C.
Identifiers: ClinVar variation 655158 (VCV000655158.18), dbSNP rs1572697757, ClinGen allele CA346734500.

ClinVar aggregate classification (germline): Uncertain significance. Review status: criteria provided, multiple submitters, no conflicts (2 of 4 stars). 4 submissions from 4 submitters: Uncertain significance (4). Last evaluated 2025-03-21.

Conditions:
Hereditary nonpolyposis colorectal neoplasms. Identifiers: MedGen C0009405, MeSH D003123.
MSH6-related disorder. Also called: MSH6-related condition; MSH6-Related disorders.
Hereditary cancer-predisposing syndrome. Also called: Hereditary neoplastic syndrome; Tumor predisposition; Neoplastic Syndromes, Hereditary; Hereditary Cancer Syndrome. Identifiers: Orphanet 140162, MedGen C0027672, MeSH D009386, MONDO:0015356.

Allele frequency attached by ClinVar (database versions not stated): TOPMed below 0.00001.

Submissions (4):

Labcorp Genetics (formerly Invitae), Labcorp
Classification: Uncertain significance for Hereditary nonpolyposis colorectal neoplasms. Last evaluated: 2025-03-21. Review status: criteria provided, single submitter. Criteria: Invitae Variant Classification Sherloc (09022015). Collection method: clinical testing. Allele origin: germline.
Comment: This sequence change replaces tyrosine, which is neutral and polar, with cysteine, which is neutral and slightly polar, at codon 8 of the MSH6 protein (p.Tyr8Cys). This variant is not present in population databases (gnomAD no frequency). This variant has not been reported in the literature in individuals affected with MSH6-related conditions. ClinVar contains an entry for this variant (Variation ID: 655158). Invitae Evidence Modeling of protein sequence and biophysical properties (such as structural, functional, and spatial information, amino acid conservation, physicochemical variation, residue mobility, and thermodynamic stability) indicates that this missense variant is not expected to disrupt MSH6 protein function with a negative predictive value of 95%. In summary, the available evidence is currently insufficient to determine the role of this variant in disease. Therefore, it has been classified as a Variant of Uncertain Significance.

Ambry Genetics
Classification: Uncertain significance for Hereditary cancer-predisposing syndrome. Last evaluated: 2024-11-19. Review status: criteria provided, single submitter. Criteria: Ambry Variant Classification Scheme 2023. Collection method: clinical testing. Allele origin: germline.
Comment: The p.Y8C variant (also known as c.23A>G), located in coding exon 1 of the MSH6 gene, results from an A to G substitution at nucleotide position 23. The tyrosine at codon 8 is replaced by cysteine, an amino acid with highly dissimilar properties. This amino acid position is not well conserved in available vertebrate species. In addition, the in silico prediction for this alteration is inconclusive. Based on the available evidence, the clinical significance of this variant remains unclear.

PreventionGenetics, part of Exact Sciences
Classification: Uncertain significance for MSH6-related condition. Last evaluated: 2023-02-08. Review status: criteria provided, single submitter. Criteria: ACMG Guidelines, 2015. Collection method: clinical testing. Allele origin: germline.
Comment: The MSH6 c.23A>G variant is predicted to result in the amino acid substitution p.Tyr8Cys. To our knowledge, this variant has not been reported in the literature or in a large population database, indicating this variant is rare. It is interpreted as uncertain significance in ClinVar. At this time, the clinical significance of this variant is uncertain due to the absence of conclusive functional and genetic evidence.

Institute for Biomarker Research, Medical Diagnostic Laboratories, L.L.C.
Classification: Uncertain significance for Hereditary cancer-predisposing syndrome. Last evaluated: 2022-12-20. Review status: criteria provided, single submitter. Criteria: ACMG Guidelines, 2015. Collection method: clinical testing. Allele origin: germline.